The following is an entry in ClinVar:

NM_000632.4(ITGAM):c.2035G>T (p.Ala679Ser)

Gene: ITGAM (integrin subunit alpha M; plus strand). Cytogenetic location: 16p11.2.
Variant type: single nucleotide variant.
Coding change: c.2035G>T on transcript NM_000632.4 (MANE Select); coding-DNA position 2035, G replaced by T.
Protein change: p.Ala679Ser; replaces alanine 679 with serine.
Molecular consequence: missense variant.
Genome position (GRCh38, 1-based): chr16:31,324,431, G>T. VCF-style: chr16-31324431-G-T. GRCh37 (hg19) VCF-style: chr16-31335752-G-T.
Other names: c.2038G>T, p.Ala680Ser (NM_001145808.2); short protein forms A679S, A680S.
Identifiers: ClinVar variation 1407892 (VCV001407892.6), dbSNP rs2144490777, ClinGen allele CA395686636.

ClinVar aggregate classification (germline): Uncertain significance (1 of 4 stars; one submission).

Submission:

Labcorp Genetics (formerly Invitae), Labcorp
Classification: Uncertain significance. Last evaluated: 2022-07-19. Review status: criteria provided, single submitter. Criteria: Invitae Variant Classification Sherloc (09022015). Collection method: clinical testing. Allele origin: germline.
Comment: In summary, the available evidence is currently insufficient to determine the role of this variant in disease. Therefore, it has been classified as a Variant of Uncertain Significance. Algorithms developed to predict the effect of missense changes on protein structure and function are either unavailable or do not agree on the potential impact of this missense change (SIFT: "Tolerated"; PolyPhen-2: "Probably Damaging"; Align-GVGD: "Class C0"). ClinVar contains an entry for this variant (Variation ID: 1407892). This variant has not been reported in the literature in individuals affected with ITGAM-related conditions. This variant is not present in population databases (gnomAD no frequency). This sequence change replaces alanine, which is neutral and non-polar, with serine, which is neutral and polar, at codon 679 of the ITGAM protein (p.Ala679Ser).